The following is an entry in ClinVar:

NM_015102.5(NPHP4):c.490C>T (p.His164Tyr)

Gene: NPHP4 (nephrocystin 4; minus strand). Cytogenetic location: 1p36.31.
Variant type: single nucleotide variant.
Coding change: c.490C>T on transcript NM_015102.5 (MANE Select); coding-DNA position 490, C replaced by T.
Protein change: p.His164Tyr; replaces histidine 164 with tyrosine.
Molecular consequence: missense variant. On other transcripts: 5 prime UTR variant (2), non-coding transcript variant (1).
Genome position (GRCh38, 1-based): chr1:5,967,326, G>A on the plus strand (C>T on the coding strand, the complement: NPHP4 is on the minus strand). VCF-style: chr1-5967326-G-A. GRCh37 (hg19) VCF-style: chr1-6027386-G-A.
Other names: c.490C>T (NM_015102.4); c.-740C>T (NM_001291593.2); c.-877C>T (NM_001291594.2); short protein forms H164Y.
Identifiers: ClinVar variation 499123 (VCV000499123.16), dbSNP rs761063669, ClinGen allele CA554833.
Genomic context (GRCh38, chr1:5,967,326, plus strand): 5'-GTGAGTGCTGCCAAGGCCAGGTCTGGCTCTTACGCTCTGCGGGGTCCTGGAGAAGCGGGT[G>A]CAGGAGGGCTCTGGGGGTGCCATGGTACAGCCGCAACCTGGAAGACAGGACCCAGAGAAC-3'
Protein context (NP_055917.1, residues 154-174): LYHGTPRALL[His164Tyr]PLLQDPAEQN

ClinVar aggregate classification (germline): Uncertain significance. Review status: criteria provided, multiple submitters, no conflicts (2 of 4 stars). 5 submissions from 5 submitters: Uncertain significance (5). Last evaluated 2026-06-17.

Conditions:
NPHP4-related disorder. Also called: NPHP4-related disorders; NPHP4-related condition. Identifiers: MedGen CN239384.
Nephronophthisis. Also called: Juvenile Nephronophthisis. Identifiers: Orphanet 655, MedGen C0687120, MONDO:0019005, HP:0000090.
Senior-Loken syndrome 4 (SLSN4). Identifiers: Orphanet 3156, MedGen C1846979, MONDO:0011756, OMIM 606996.
Nephronophthisis 4 (NPHP4). Also called: NEPHRONOPHTHISIS 4, JUVENILE. Identifiers: Orphanet 655, MedGen C1847013, MONDO:0011752, OMIM 606966.

Allele frequency attached by ClinVar (database versions not stated): gnomAD exomes 0.00001 and 0.00004; gnomAD 0.00003; ExAC 0.00004; TOPMed 0.00007.
gnomAD v4.1: 20 of 1,607,638 alleles (0.0012%); highest among the groups gnomAD compares: Admixed American, 0.029%; no homozygotes.

Submissions (5):

PreventionGenetics, part of Exact Sciences
Classification: Uncertain significance for NPHP4-related condition. Last evaluated: 2026-06-17. Review status: criteria provided, single submitter. Criteria: ACMG Guidelines, 2015. Collection method: clinical testing. Allele origin: germline.
Comment: The NPHP4 c.490C>T variant is predicted to result in the amino acid substitution p.His164Tyr. This variant has been reported as heterozygous in an individual with cardiovascular malformations (French et al. 2012. PubMed ID: 22550138). The variant was inherited from the father of unknown phenotype. This variant is reported in 0.032% of alleles in individuals of Latino descent in gnomAD. At this time, the clinical significance of this variant is uncertain due to the absence of conclusive functional and genetic evidence.

Labcorp Genetics (formerly Invitae), Labcorp
Classification: Uncertain significance for Nephronophthisis. Last evaluated: 2024-04-10. Review status: criteria provided, single submitter. Criteria: Invitae Variant Classification Sherloc (09022015). Collection method: clinical testing. Allele origin: germline.
Comment: This sequence change replaces histidine, which is basic and polar, with tyrosine, which is neutral and polar, at codon 164 of the NPHP4 protein (p.His164Tyr). This variant is present in population databases (rs761063669, gnomAD 0.03%). This missense change has been observed in individual(s) with congenital heart defects and situs inversus (PMID: 22550138). ClinVar contains an entry for this variant (Variation ID: 499123). Advanced modeling of protein sequence and biophysical properties (such as structural, functional, and spatial information, amino acid conservation, physicochemical variation, residue mobility, and thermodynamic stability) performed at Invitae indicates that this missense variant is expected to disrupt NPHP4 protein function with a positive predictive value of 80%. In summary, the available evidence is currently insufficient to determine the role of this variant in disease. Therefore, it has been classified as a Variant of Uncertain Significance.

Fulgent Genetics
Classification: Uncertain significance for Nephronophthisis 4; Senior-Loken syndrome 4. Last evaluated: 2024-02-14. Review status: criteria provided, single submitter. Criteria: ACMG Guidelines, 2015. Collection method: clinical testing. Allele origin: germline.

GeneDx
Classification: Uncertain significance. Last evaluated: 2019-07-02. Review status: criteria provided, single submitter. Criteria: GeneDx Variant Classification Process June 2021. Collection method: clinical testing. Allele origin: germline. Affected: yes.
Comment: Identified in a patient with cardiac laterality defects in published literature, however, this individual's presumably unaffected father also harbored this variant (French et al., 2012); In silico analysis, which includes protein predictors and evolutionary conservation, supports that this variant does not alter protein structure/function; This variant is associated with the following publications: (PMID: 22550138)

Eurofins Ntd Llc (ga)
Classification: Uncertain significance. Last evaluated: 2016-12-07. Review status: criteria provided, single submitter. Criteria: EGL Classification Definitions 2015. Collection method: clinical testing. Allele origin: germline. Observed: 1 variant allele, 1 heterozygote.

Literature cited by the submitters: PubMed 22550138 (cited by Labcorp Genetics (formerly Invitae), Labcorp).